The following is an entry in ClinVar:

ClinVar aggregate classification (germline): Conflicting classifications of pathogenicity. Review status: criteria provided, conflicting classifications (1 of 4 stars). 10 submissions from 10 submitters: Pathogenic (3); Likely pathogenic (5); Uncertain significance (1). 1 of the submissions does not count toward it. Last evaluated 2025-12-11.

Conditions:
SLC40A1-related disorder. Also called: SLC40A1-related condition.
Hemochromatosis type 4 (HFE4). Also called: HEMOCHROMATOSIS DUE TO DEFECT IN FERROPORTIN; HEMOCHROMATOSIS, AUTOSOMAL DOMINANT; Ferroportin disease. Identifiers: Orphanet 139491, Orphanet 647834, Orphanet 648562, MedGen C1853733, MONDO:0011631, OMIM 606069.

Allele frequency attached by ClinVar (database versions not stated): ExAC 0.00002; gnomAD exomes 0.00001 and below 0.00001; TOPMed below 0.00001.
gnomAD v4.1: 7 of 1,614,182 alleles (0.00043%); highest among the groups gnomAD compares: East Asian, 0.0022%; no homozygotes.

Submissions (10):

Medical and Scientific Branch, Hong Kong Genome Institute
Classification: Likely pathogenic for Hemochromatosis type 4. Last evaluated: 2025-12-11. Review status: criteria provided, single submitter. Criteria: ACMG Guidelines, 2015. Collection method: clinical testing. Allele origin: germline. Affected: yes.

PreventionGenetics, part of Exact Sciences
Classification: Uncertain significance for SLC40A1-related condition. Last evaluated: 2025-05-08. Review status: criteria provided, single submitter. Criteria: ACMG Guidelines, 2015. Collection method: clinical testing. Allele origin: germline.
Comment: The SLC40A1 c.610G>A variant is predicted to result in the amino acid substitution p.Gly204Ser. This variant has been reported in a homozygous individual, heterozygous individuals, and in a three generational pedigree with a family history of hemochromatosis (Santos et al. 2011. PubMed ID: 21411349; Borgel et al. 2019. PubMed ID: 31640930; Landemaine et al. 2022. PubMed ID: 34748893; Le Lan et al. 2011. PubMed ID: 21199650). However, phenotypic variability was noted within the familial cases (Le Lan et al 2011. PubMed ID: 21199650). In vitro studies using HEK293 cells expressing the c.610G>A variant showed similar SLC40A1 membrane localization, ferritin levels, and hepcidin levels compared to wildtype but differing ferroportin membrane localization when exposed to hepcidin. The authors conclude that the p.Gly204Ser variant results in a gain of function, yet results were inconclusive (Détivaud et al. 2013. PubMed ID: 23943237). Alternate missense changes at the same amino acid position (p.Gly204Arg, p.Gly204Val) have been reported in individuals with clinical features of SLC40A1-related disease (Majore et al. 2018. PubMed ID: 29154924; Landemaine et al. 2022. PubMed ID: 34748893). This variant is reported in 0.0054% of alleles in individuals of East Asian descent in gnomAD. Although we suspect that this variant may be pathogenic, at this time, the clinical significance of this variant is uncertain due to the absence of conclusive functional and genetic evidence.

Labcorp Genetics (formerly Invitae), Labcorp
Classification: Pathogenic for Hemochromatosis type 4. Last evaluated: 2022-07-23. Review status: criteria provided, single submitter. Criteria: Invitae Variant Classification Sherloc (09022015). Collection method: clinical testing. Allele origin: germline.
Comment: This variant is present in population databases (rs387907377, gnomAD 0.006%). For these reasons, this variant has been classified as Pathogenic. Experimental studies have shown that this missense change affects SLC40A1 function (PMID: 23943237). Algorithms developed to predict the effect of missense changes on protein structure and function are either unavailable or do not agree on the potential impact of this missense change (SIFT: "Tolerated"; PolyPhen-2: "Probably Damaging"; Align-GVGD: "Class C0"). ClinVar contains an entry for this variant (Variation ID: 56158). This missense change has been observed in individuals with hemochromatosis (PMID: 21199650, 31640930). It has also been observed to segregate with disease in related individuals. This sequence change replaces glycine, which is neutral and non-polar, with serine, which is neutral and polar, at codon 204 of the SLC40A1 protein (p.Gly204Ser).

Dasa
Classification: Pathogenic for Hemochromatosis type 4. Last evaluated: 2022-03-25. Review status: criteria provided, single submitter. Criteria: ACMG Guidelines, 2015. Collection method: clinical testing. Allele origin: germline. Affected: yes. Observed: 1 variant allele.
Comment: Well-established in vitro or in vivo functional studies supportive of a damaging effect on the gene or gene product (PMID: 23943237) - PS3_moderate. The c.610G>A;p.(Gly204Ser) missense change has been observed in affected individual(s) and ClinVar contains an entry for this variant (ClinVar ID: 56158; PMID: 23943237; PMID: 21199650; PMID: 21411349)-PS4. The variant is located in a mutational hot spot and/or critical and well-established functional domain (FPN1) - PM1. The variant is present at low allele frequencies population databases (rs387907377 – gnomAD 0.00007955%; ABraOM 0.000427 frequency.) - PM2_supporting. Multiple lines of computational evidence support a deleterious effect on the gene or gene product - PP3. In summary, the currently available evidence indicates that the variant is pathogenic

Blueprint Genetics
Classification: Likely pathogenic for SLC40A1-related disorders. Last evaluated: 2021-11-18. Review status: criteria provided, single submitter. Criteria: ACMG Guidelines, 2015. Collection method: clinical testing. Allele origin: germline. Affected: yes. Observed: 2 variant alleles.

Laboratory of Molecular Genetics and Genomics, Rennes University Hospital
Classification: Likely pathogenic for Hemochromatosis type 4. Last evaluated: 2020-07-01. Review status: criteria provided, single submitter. Criteria: ACMG Guidelines, 2015. Collection method: clinical testing. Allele origin: germline. Affected: yes.
Comment: Identified in 15 patients harbouring clinical and biochemical symptomes of type 4 haemochromatosis

Fulgent Genetics
Classification: Likely pathogenic for Hemochromatosis type 4. Last evaluated: 2018-10-31. Review status: criteria provided, single submitter. Criteria: ACMG Guidelines, 2015. Collection method: clinical testing. Allele origin: unknown.

Clinical Genetics Service, Universitary Hospital 12 de Octubre
Classification: Pathogenic for Hemochromatosis type 4. Review status: criteria provided, single submitter. Criteria: ACMG Guidelines, 2015. Collection method: clinical testing. Allele origin: germline. Affected: yes.

Juno Genomics, Hangzhou Juno Genomics, Inc
Classification: Likely pathogenic for Hemochromatosis type 4. Review status: criteria provided, single submitter. Criteria: ACMG Guidelines, 2015. Collection method: clinical testing. Allele origin: germline.
Comment: Absent from controls (or at extremely low frequency if recessive) in Genome Aggregation Database.;Well-established in vitro or in vivo functional studies supportive of a damaging effect on the gene or gene product.;The prevalence of the variant in affected individuals is significantly increased compared to the prevalence in controls.;Patient's phenotype or family history is highly specific for a disease with a single genetic etiology.

Laboratoire de Génétique Moléculaire, CHU Pontchaillou
No classification provided. Review status: no classification provided. Collection method: not provided. Allele origin: germline. Not counted in ClinVar's aggregate classification.

Literature cited by the submitters: PubMed 23943237 (cited by Labcorp Genetics (formerly Invitae), Labcorp and Dasa); PubMed 21199650 (cited by 3 submitters); PubMed 31640930 (cited by Labcorp Genetics (formerly Invitae), Labcorp); PubMed 21411349 (cited by Dasa).

NM_014585.6(SLC40A1):c.610G>A (p.Gly204Ser)

Gene: SLC40A1 (solute carrier family 40 member 1; minus strand). Cytogenetic location: 2q32.2.
Variant type: single nucleotide variant.
Coding change: c.610G>A on transcript NM_014585.6 (MANE Select); coding-DNA position 610, G replaced by A.
Protein change: p.Gly204Ser; replaces glycine 204 with serine.
Molecular consequence: missense variant.
Genome position (GRCh38, 1-based): chr2:189,565,504, C>T on the plus strand (G>A on the coding strand, the complement: SLC40A1 is on the minus strand). VCF-style: chr2-189565504-C-T. GRCh37 (hg19) VCF-style: chr2-190430230-C-T.
Other names: short protein forms G204S.
Identifiers: ClinVar variation 56158 (VCV000056158.17), dbSNP rs387907377, ClinGen allele CA215966.